The following is an entry in ClinVar:

ClinVar aggregate classification (germline): Uncertain significance (1 of 4 stars; one submission).

Conditions:
Baller-Gerold syndrome (BGS). Also called: CRANIOSYNOSTOSIS WITH RADIAL DEFECTS. Identifiers: Orphanet 1225, MedGen C0265308, MONDO:0009039, OMIM 218600.

gnomAD v4.1: 12 of 1,609,566 alleles (0.00075%); highest among the groups gnomAD compares: African/African-American, 0.015%; no homozygotes.

Submission:

Labcorp Genetics (formerly Invitae), Labcorp
Classification: Uncertain significance for Baller-Gerold syndrome. Last evaluated: 2024-04-22. Review status: criteria provided, single submitter. Criteria: Invitae Variant Classification Sherloc (09022015). Collection method: clinical testing. Allele origin: germline.
Comment: This sequence change replaces alanine, which is neutral and non-polar, with glutamic acid, which is acidic and polar, at codon 746 of the RECQL4 protein (p.Ala746Glu). The frequency data for this variant in the population databases is considered unreliable, as metrics indicate poor data quality at this position in the gnomAD database. This variant has not been reported in the literature in individuals affected with RECQL4-related conditions. ClinVar contains an entry for this variant (Variation ID: 967539). Advanced modeling of protein sequence and biophysical properties (such as structural, functional, and spatial information, amino acid conservation, physicochemical variation, residue mobility, and thermodynamic stability) performed at Invitae indicates that this missense variant is expected to disrupt RECQL4 protein function with a positive predictive value of 80%. In summary, the available evidence is currently insufficient to determine the role of this variant in disease. Therefore, it has been classified as a Variant of Uncertain Significance.

NM_004260.4(RECQL4):c.2237C>A (p.Ala746Glu)

Gene: RECQL4 (RecQ like helicase 4; minus strand). Cytogenetic location: 8q24.3.
Variant type: single nucleotide variant.
Coding change: c.2237C>A on transcript NM_004260.4 (MANE Select); coding-DNA position 2237, C replaced by A.
Protein change: p.Ala746Glu; replaces alanine 746 with glutamic acid.
Molecular consequence: missense variant.
Genome position (GRCh38, 1-based): chr8:144,513,444, G>T on the plus strand (C>A on the coding strand, the complement: RECQL4 is on the minus strand). VCF-style: chr8-144513444-G-T. GRCh37 (hg19) VCF-style: chr8-145738828-G-T.
Other names: short protein forms A746E.
Identifiers: ClinVar variation 967539 (VCV000967539.6), dbSNP rs201883228, ClinGen allele CA4948370.